The following is an entry in ClinVar:

ClinVar aggregate classification (germline): Conflicting classifications of pathogenicity. Review status: criteria provided, conflicting classifications (1 of 4 stars). 2 submissions from 2 submitters: Likely pathogenic (1); Uncertain significance (1). Last evaluated 2022-10-13.

Conditions:
Mucopolysaccharidosis, MPS-III-B (MPS3B). Also called: N-ACETYL-ALPHA-D-GLUCOSAMINIDASE DEFICIENCY; NAGLU DEFICIENCY; SANFILIPPO SYNDROME B; MPS III B; MPS IIIB (Sanfilippo Syndrome Type B); MUCOPOLYSACCHARIDOSIS, TYPE IIIB. Identifiers: Orphanet 79270, MedGen C0086648, MONDO:0009656, OMIM 252920.
Charcot-Marie-Tooth disease axonal type 2V. Also called: CHARCOT-MARIE-TOOTH NEUROPATHY, TYPE 2V; CHARCOT-MARIE-TOOTH DISEASE, AXONAL, AUTOSOMAL DOMINANT, TYPE 2V. Identifiers: Orphanet 447964, MedGen C5569050, MONDO:0014665, OMIM 616491.

Allele frequency attached by ClinVar (database versions not stated): ExAC 0.00001.
gnomAD v4.1: 14 of 1,613,430 alleles (0.00087%); highest among the groups gnomAD compares: Admixed American, 0.01%; no homozygotes.

Submissions (2):

Labcorp Genetics (formerly Invitae), Labcorp
Classification: Uncertain significance for Charcot-Marie-Tooth disease axonal type 2V; Mucopolysaccharidosis, MPS-III-B. Last evaluated: 2022-10-13. Review status: criteria provided, single submitter. Criteria: Invitae Variant Classification Sherloc (09022015). Collection method: clinical testing. Allele origin: germline.
Comment: This sequence change replaces asparagine, which is neutral and polar, with threonine, which is neutral and polar, at codon 435 of the NAGLU protein (p.Asn435Thr). This variant is present in population databases (rs764815033, gnomAD 0.01%). This variant has not been reported in the literature in individuals affected with NAGLU-related conditions. ClinVar contains an entry for this variant (Variation ID: 1445507). Advanced modeling of protein sequence and biophysical properties (such as structural, functional, and spatial information, amino acid conservation, physicochemical variation, residue mobility, and thermodynamic stability) performed at Invitae indicates that this missense variant is expected to disrupt NAGLU protein function. In summary, the available evidence is currently insufficient to determine the role of this variant in disease. Therefore, it has been classified as a Variant of Uncertain Significance.

HUSP Clinical Genetics Laboratory, Hospital Universitario San Pedro De Logroño (HUSP)
Classification: Likely pathogenic for Charcot-Marie-Tooth disease axonal type 2V. Review status: criteria provided, single submitter. Criteria: ACMG Guidelines, 2015. Collection method: clinical testing. Allele origin: germline. Inheritance: Autosomal dominant inheritance. Affected: yes. Observed: 1 variant allele.
Comment: The c.1304A>C variant in the exon 6 of the NAGLU gene (NM_000263.4) results in a change of the predicted protein (p.Asn435Thr) . It is detected in a very low population frequency (0.002%). Pathogenic variants in the NAGLU gene have been associated with the following phenotype: Charcot-Marie-Tooth disease, axonal, type 2V, with autosomal dominant inheritance.

NM_000263.4(NAGLU):c.1304A>C (p.Asn435Thr)

Gene: NAGLU (N-acetyl-alpha-glucosaminidase; plus strand). Cytogenetic location: 17q21.2.
Variant type: single nucleotide variant.
Coding change: c.1304A>C on transcript NM_000263.4 (MANE Select); coding-DNA position 1304, A replaced by C.
Protein change: p.Asn435Thr; replaces asparagine 435 with threonine.
Molecular consequence: missense variant.
Genome position (GRCh38, 1-based): chr17:42,543,310, A>C. VCF-style: chr17-42543310-A-C. GRCh37 (hg19) VCF-style: chr17-40695328-A-C.
Other names: short protein forms N435T.
Identifiers: ClinVar variation 1445507 (VCV001445507.3), dbSNP rs764815033, ClinGen allele CA8576993.
Genomic context (GRCh38, chr17:42,543,310, plus strand): 5'-GTCTTTTTGGAGCCCTAGAGGCTGTGAACGGAGGCCCAGAAGCTGCCCGCCTCTTCCCCA[A>C]CTCCACCATGGTAGGCACGGGCATGGCCCCCGAGGGCATCAGCCAGAACGAAGTGGTCTA-3'
Protein context (NP_000254.2, residues 425-445): GGPEAARLFP[Asn435Thr]STMVGTGMAP